The following is an entry in ClinVar:

ClinVar aggregate classification (germline): Uncertain significance (1 of 4 stars; one submission).

gnomAD v4.1: 1 of 1,614,236 alleles (0.000062%); highest among the groups gnomAD compares: Non-Finnish European, 0.000085%; no homozygotes.

Submission:

Labcorp Genetics (formerly Invitae), Labcorp
Classification: Uncertain significance. Last evaluated: 2025-04-11. Review status: criteria provided, single submitter. Criteria: Invitae Variant Classification Sherloc (09022015). Collection method: clinical testing. Allele origin: germline.
Comment: This sequence change replaces aspartic acid, which is acidic and polar, with alanine, which is neutral and non-polar, at codon 438 of the CFI protein (p.Asp438Ala). This variant is not present in population databases (gnomAD no frequency). This variant has not been reported in the literature in individuals affected with CFI-related conditions. Invitae Evidence Modeling of protein sequence and biophysical properties (such as structural, functional, and spatial information, amino acid conservation, physicochemical variation, residue mobility, and thermodynamic stability) indicates that this missense variant is not expected to disrupt CFI protein function with a negative predictive value of 80%. In summary, the available evidence is currently insufficient to determine the role of this variant in disease. Therefore, it has been classified as a Variant of Uncertain Significance.

NM_000204.5(CFI):c.1313A>C (p.Asp438Ala)

Gene: CFI (complement factor I; minus strand). Cytogenetic location: 4q25.
Variant type: single nucleotide variant.
Coding change: c.1313A>C on transcript NM_000204.5 (MANE Select); coding-DNA position 1313, A replaced by C.
Protein change: p.Asp438Ala; replaces aspartic acid 438 with alanine.
Molecular consequence: missense variant. On other transcripts: non-coding transcript variant (2).
Genome position (GRCh38, 1-based): chr4:109,746,338, T>G on the plus strand (A>C on the coding strand, the complement: CFI is on the minus strand). VCF-style: chr4-109746338-T-G. GRCh37 (hg19) VCF-style: chr4-110667494-T-G.
Other names: c.1337A>C, p.Asp446Ala (NM_001318057.2, NM_001375278.1, NM_001440988.1); c.1292A>C, p.Asp431Ala (NM_001331035.2, NM_001375280.1, NM_001375282.1 and 1 more transcripts); c.1313A>C, p.Asp438Ala (NM_001375279.1, NM_001375281.1, NM_001440989.1); c.1256A>C, p.Asp419Ala (NM_001375283.1); c.704A>C, p.Asp235Ala (NM_001375284.1); c.1334A>C, p.Asp445Ala (NM_001440985.1, NM_001440986.1); short protein forms D235A, D431A, D446A, D419A, D438A, D445A.
Identifiers: ClinVar variation 4729045 (VCV004729045.1).
Genomic context (GRCh38, chr4:109,746,338, plus strand): 5'-GGAGACCAGGGGACACAGGCAGGGATGGAACGAGGCAGCTCACAATCTTTTTTGTTTCCG[T>G]CTTTTTTCATTTCAATCAAAGCGATGTCATTTTGGTAAGTGCCTGCATTGTAGTTTTCAT-3'
Protein context (NP_000195.3, residues 428-448): NDIALIEMKK[Asp438Ala]GNKKDCELPR